The following is an entry in ClinVar:

ClinVar aggregate classification (germline): Uncertain significance. Review status: criteria provided, multiple submitters, no conflicts (2 of 4 stars). 2 submissions from 2 submitters: Uncertain significance (2). Last evaluated 2025-09-04.

Submissions (2):

Dasa
Classification: Uncertain significance. Last evaluated: 2025-09-04. Review status: criteria provided, single submitter. Criteria: DASA Assertion Criteria. Collection method: clinical testing. Allele origin: germline.
Comment: NM_005035.4(POLRMT):c.1054C>T (p.His352Tyr) is a missense variant that results in the substitution of histidine with tyrosine. This variant is rare in population databases. Computational prediction algorithms are consistent with a benign effect. The currently available literature and clinical evidence are not sufficient to establish a definitive association between this variant and the reported condition. Therefore, this variant is classified as a variant of uncertain significance.

Ambry Genetics
Classification: Uncertain significance. Last evaluated: 2024-12-16. Review status: criteria provided, single submitter. Criteria: Ambry Variant Classification Scheme 2023. Collection method: clinical testing. Allele origin: germline.

NM_005035.4(POLRMT):c.1054C>T (p.His352Tyr)

Gene: POLRMT (RNA polymerase mitochondrial; minus strand). Cytogenetic location: 19p13.3.
Variant type: single nucleotide variant.
Coding change: c.1054C>T on transcript NM_005035.4 (MANE Select); coding-DNA position 1054, C replaced by T.
Protein change: p.His352Tyr; replaces histidine 352 with tyrosine.
Molecular consequence: missense variant. On other transcripts: non-coding transcript variant (1).
Genome position (GRCh38, 1-based): chr19:624,805, G>A on the plus strand (C>T on the coding strand, the complement: POLRMT is on the minus strand). VCF-style: chr19-624805-G-A. GRCh37 (hg19) VCF-style: chr19-624805-G-A.
Other names: c.1054C>T, p.His352Tyr (NM_001407805.1, NM_001407806.1, NM_001407807.1 and 10 more transcripts); c.1012C>T, p.His338Tyr (NM_001407811.1, NM_001407813.1); c.730C>T, p.His244Tyr (NM_001407831.1, NM_001407833.1, NM_001407834.1 and 2 more transcripts); short protein forms H352Y, H244Y, H338Y.
Identifiers: ClinVar variation 3781827 (VCV003781827.3).